The following is an entry in ClinVar:

NM_000135.4(FANCA):c.3771G>T (p.Leu1257Phe)

Genes: FANCA (FA complementation group A; minus strand), ZNF276 (zinc finger protein 276; plus strand). Cytogenetic location: 16q24.3.
Variant type: single nucleotide variant.
Coding change: c.3771G>T on transcript NM_000135.4 (MANE Select); coding-DNA position 3771, G replaced by T.
Protein change: p.Leu1257Phe; replaces leucine 1257 with phenylalanine.
Molecular consequence: missense variant. On other transcripts: non-coding transcript variant (4), 3 prime UTR variant (2).
Genome position (GRCh38, 1-based): chr16:89,740,861, C>A on the plus strand (G>T on the coding strand, the complement: FANCA is on the minus strand). VCF-style: chr16-89740861-C-A. GRCh37 (hg19) VCF-style: chr16-89807269-C-A.
Other names: c.3771G>T, p.Leu1257Phe (NM_001286167.3); c.*2615C>A (NM_001113525.2, NM_152287.4); short protein forms L1257F.
Identifiers: ClinVar variation 1447112 (VCV001447112.5), dbSNP rs1402327994, ClinGen allele CA397485248.
Genomic context (GRCh38, chr16:89,740,861, plus strand): 5'-TACATTTGAGGTCAGATGTGACGACAGCAGGCCCATCAAGGAGAAGAAGAAAAGGAAAAC[C>A]AATAGCTGTAAATAAAAACGTGCACTTATTATTACATTAAAATTACCTGTGCTGTCATTC-3'
Protein context (NP_000126.2, residues 1247-1267): KKLDCEREEL[Leu1257Phe]VFLFFFSLMG

ClinVar aggregate classification (germline): Uncertain significance (1 of 4 stars; one submission).

Conditions:
Fanconi anemia (FA). Also called: Fanconi's anemia. Identifiers: Orphanet 84, MedGen C0015625, MeSH D005199, MONDO:0019391.

Submission:

Labcorp Genetics (formerly Invitae), Labcorp
Classification: Uncertain significance for Fanconi anemia. Last evaluated: 2021-09-01. Review status: criteria provided, single submitter. Criteria: Invitae Variant Classification Sherloc (09022015). Collection method: clinical testing. Allele origin: germline.
Comment: This sequence change replaces leucine with phenylalanine at codon 1257 of the FANCA protein (p.Leu1257Phe). The leucine residue is highly conserved and there is a small physicochemical difference between leucine and phenylalanine. This variant is not present in population databases (ExAC no frequency). This variant has not been reported in the literature in individuals affected with FANCA-related conditions. Advanced modeling of protein sequence and biophysical properties (such as structural, functional, and spatial information, amino acid conservation, physicochemical variation, residue mobility, and thermodynamic stability) performed at Invitae indicates that this missense variant is not expected to disrupt FANCA protein function. In summary, the available evidence is currently insufficient to determine the role of this variant in disease. Therefore, it has been classified as a Variant of Uncertain Significance.